The following is an entry in ClinVar:

ClinVar aggregate classification (germline): Uncertain significance. Review status: criteria provided, multiple submitters, no conflicts (2 of 4 stars). 2 submissions from 2 submitters: Uncertain significance (2). Last evaluated 2025-02-22.

Conditions:
Inborn genetic diseases. Identifiers: MedGen C0950123, MeSH D030342.
Agammaglobulinemia 4, autosomal recessive (AGM4). Also called: AGAMMAGLOBULINEMIA, AUTOSOMAL RECESSIVE, DUE TO BLNK DEFECT; B cell linker protein deficiency. Identifiers: MedGen C3150752, MONDO:0013289, OMIM 613502.

gnomAD v4.1: 26 of 1,612,904 alleles (0.0016%); highest among the groups gnomAD compares: East Asian, 0.056%; no homozygotes.

Submissions (2):

Ambry Genetics
Classification: Uncertain significance for Inborn genetic diseases. Last evaluated: 2025-02-22. Review status: criteria provided, single submitter. Criteria: Ambry Variant Classification Scheme 2023. Collection method: clinical testing. Allele origin: germline.

Labcorp Genetics (formerly Invitae), Labcorp
Classification: Uncertain significance for Agammaglobulinemia 4, autosomal recessive. Last evaluated: 2024-09-04. Review status: criteria provided, single submitter. Criteria: Invitae Variant Classification Sherloc (09022015). Collection method: clinical testing. Allele origin: germline.
Comment: This sequence change replaces serine, which is neutral and polar, with isoleucine, which is neutral and non-polar, at codon 125 of the BLNK protein (p.Ser125Ile). This variant is present in population databases (rs148846157, gnomAD 0.1%). This variant has not been reported in the literature in individuals affected with BLNK-related conditions. Invitae Evidence Modeling of protein sequence and biophysical properties (such as structural, functional, and spatial information, amino acid conservation, physicochemical variation, residue mobility, and thermodynamic stability) indicates that this missense variant is not expected to disrupt BLNK protein function with a negative predictive value of 80%. In summary, the available evidence is currently insufficient to determine the role of this variant in disease. Therefore, it has been classified as a Variant of Uncertain Significance.

NM_013314.4(BLNK):c.374G>T (p.Ser125Ile)

Gene: BLNK (B cell linker; minus strand). Cytogenetic location: 10q24.1.
Variant type: single nucleotide variant.
Coding change: c.374G>T on transcript NM_013314.4 (MANE Select); coding-DNA position 374, G replaced by T.
Protein change: p.Ser125Ile; replaces serine 125 with isoleucine.
Molecular consequence: missense variant. On other transcripts: non-coding transcript variant (1), intron variant (1).
Genome position (GRCh38, 1-based): chr10:96,223,977, C>A on the plus strand (G>T on the coding strand, the complement: BLNK is on the minus strand). VCF-style: chr10-96223977-C-A. GRCh37 (hg19) VCF-style: chr10-97983733-C-A.
Other names: c.374G>T, p.Ser125Ile (NM_001114094.2, NM_001258440.2, NM_001258441.2); c.349+3445G>T (NM_001258442.2); short protein forms S125I.
Identifiers: ClinVar variation 3707994 (VCV003707994.2).
Genomic context (GRCh38, chr10:96,223,977, plus strand): 5'-TCTGAAGGCCAGCTGGGCTTACTGGGAAGTGTCTTGCTGAAGGGTGGGGAATGCCTCTGG[C>A]TTGATCGATTGTCTTGAAAGGAACAAACAAAAAACATAACATAAAAGAGGCTCTGGATCA-3'
Protein context (NP_037446.1, residues 115-135): ARGEYIDNRS[Ser125Ile]QRHSPPFSKT